The following is an entry in ClinVar:

ClinVar aggregate classification (germline): Uncertain significance (1 of 4 stars; one submission).

Conditions:
CHRNA4-related disorder. Also called: CHRNA4-related condition.

Submission:

PreventionGenetics, part of Exact Sciences
Classification: Uncertain significance for CHRNA4-related condition. Last evaluated: 2025-11-21. Review status: criteria provided, single submitter. Criteria: ACMG Guidelines, 2015. Collection method: clinical testing. Allele origin: germline.
Comment: The CHRNA4 c.370G>C variant is predicted to result in the amino acid substitution p.Val124Leu. To our knowledge, this variant has not been reported in the literature or in a large population database (gnomAD), indicating this variant is rare. At this time, the clinical significance of this variant is uncertain due to the absence of conclusive functional and genetic evidence.

NM_000744.7(CHRNA4):c.370G>C (p.Val124Leu)

Genes: CHRNA4 (cholinergic receptor nicotinic alpha 4 subunit; minus strand), LOC126863087 (P300/CBP strongly-dependent group 1 enhancer GRCh37_chr20:61986832-61988031; plus strand). Cytogenetic location: 20q13.33.
Variant type: single nucleotide variant.
Coding change: c.370G>C on transcript NM_000744.7 (MANE Select); coding-DNA position 370, G replaced by C.
Protein change: p.Val124Leu; replaces valine 124 with leucine.
Molecular consequence: missense variant. On other transcripts: 5 prime UTR variant (1), non-coding transcript variant (1).
Genome position (GRCh38, 1-based): chr20:63,355,988, C>G on the plus strand (G>C on the coding strand, the complement: CHRNA4 is on the minus strand). VCF-style: chr20-63355988-C-G. GRCh37 (hg19) VCF-style: chr20-61987340-C-G.
Other names: c.-177G>C (NM_001256573.2); short protein forms V124L.
Identifiers: ClinVar variation 4995083 (VCV004995083.1).